The following is an entry in ClinVar:

ClinVar aggregate classification (germline): Pathogenic. Review status: criteria provided, multiple submitters, no conflicts (2 of 4 stars). 11 submissions from 11 submitters: Pathogenic (9). 2 of the submissions do not count toward it. Last evaluated 2025-11-14.

Conditions:
KCNK9-related disorder. Also called: KCNK9-related condition.
Birk-Barel syndrome. Also called: KCNK9 Imprinting Syndrome; MENTAL RETARDATION WITH HYPOTONIA AND FACIAL DYSMORPHISM. Identifiers: Orphanet 166108, MedGen C2676770, MONDO:0012856, OMIM 612292.

Submissions (11):

3billion
Classification: Pathogenic for Birk-Barel syndrome. Last evaluated: 2025-11-14. Review status: criteria provided, single submitter. Criteria: ACMG Guidelines, 2015. Collection method: clinical testing. Allele origin: germline. Affected: yes.
Comment: The variant is not observed in the gnomAD v4.1.0 dataset. Predicted Consequence/Location: Missense variant. Missense changes are a common disease-causing mechanism. Functional studies provide moderate evidence of the variant having a damaging effect on the gene or gene product (PMID: 18678320). The same nucleotide change resulting in the same amino acid change has been previously reported as pathogenic/likely pathogenic with strong evidence (ClinVar ID: VCV000004741 /PMID: 18678320 /3billion dataset). The variant has been previously reported as assumed (i.e. paternity and maternity not confirmed) de novo in at least one similarly affected unrelated individual (PMID: 35698242). Therefore, this variant is classified as Pathogenic according to the recommendation of ACMG/AMP guideline.

Genomic Medicine Center of Excellence, King Faisal Specialist Hospital and Research Centre
Classification: Pathogenic for Birk-Barel syndrome. Last evaluated: 2024-03-17. Review status: criteria provided, single submitter. Criteria: ACMG Guidelines, 2015. Collection method: research. Allele origin: germline.

Blueprint Genetics
Classification: Pathogenic for KCNK9-related disorders. Last evaluated: 2023-07-14. Review status: criteria provided, single submitter. Criteria: ACMG Guidelines, 2015. Collection method: clinical testing. Allele origin: germline. Affected: yes. Observed: 1 variant allele.

GeneDx
Classification: Pathogenic. Last evaluated: 2021-11-01. Review status: criteria provided, single submitter. Criteria: GeneDx Variant Classification Process June 2021. Collection method: clinical testing. Allele origin: germline. Affected: yes.
Comment: Published functional studies indicate that G236R results in a reduction of current suggestive of a dominant-negative effect (Barel et al., 2008; Veale et al., 2014); In silico analysis supports that this missense variant has a deleterious effect on protein structure/function; Not observed in large population cohorts (gnomAD); This variant is associated with the following publications: (PMID: 18678320, 24342771, 27378938, 27151206, 30577886, 23236211)

Victorian Clinical Genetics Services, Murdoch Childrens Research Institute
Classification: Pathogenic for Birk-Barel syndrome. Last evaluated: 2021-05-06. Review status: criteria provided, single submitter. Criteria: ACMG Guidelines, 2015. Collection method: clinical testing. Allele origin: germline. Inheritance: Autosomal dominant inheritance. Affected: yes.
Comment: Based on the classification scheme VCGS_Germline_v1.3.4, this variant is classified as Pathogenic. Following criteria are met: 0104 - Dominant negative is a known mechanism of disease in this gene and is associated with Birk-Barel syndrome (MIM#612292). (I) 0107 - This gene is associated with autosomal dominant disease. (I) 0113 - This gene is known to be imprinted. KCNK9 is expressed from the maternal allele (imprinted with paternal silencing) (PMID: 27151206). (I) 0115 - Variants in this gene are known to have variable expressivity. Intra-familial variability in terms of intellectual disability has been described in a large kindred (PMID: 18678320). (I) 0200 - Variant is predicted to result in a missense amino acid change from glycine to arginine. (I) 0251 - This variant is heterozygous. (I) 0301 - Variant is absent from gnomAD (both v2 and v3). (SP) 0501 - Missense variant consistently predicted to be damaging by multiple in silico tools or highly conserved with a major amino acid change. (SP) 0603 - Missense variant in a region that is highly intolerant to missense variation (high constraint region in DECIPHER). (SP) 0801 - This variant has strong previous evidence of pathogenicity in unrelated individuals. It has been found de novo in at least four patients and proven to segregate in a large Isreali Arab kindred (PMID: 18678320, 27151206). (SP) Legend: (SP) - Supporting pathogenic, (I) - Information, (SB) - Supporting benign

Institute of Medical Genetics and Applied Genomics, University Hospital Tübingen
Classification: Pathogenic. Last evaluated: 2020-10-23. Review status: criteria provided, single submitter. Criteria: ACMG Guidelines, 2015. Collection method: clinical testing. Allele origin: germline. Inheritance: Autosomal dominant inheritance. Affected: yes.

Illumina Laboratory Services, Illumina
Classification: Pathogenic for Birk-Barel syndrome. Last evaluated: 2020-02-07. Review status: criteria provided, single submitter. Criteria: ICSLVariantClassificationCriteria RUGD 01 April 2020. Collection method: clinical testing. Allele origin: unknown.
Comment: The KCNK9 c.706G>A (p.Gly236Arg) variant is a missense variant that has been reported in a heterozygous state in two studies (Barel et al. 2008; Graham et al. 2016). The variant was reported in a de novo state in two unrelated individuals with KCKN9 imprinting syndrome in Graham et al. (2016), and in at least 11 affected individuals showing segregation analysis in a large Israeli Arab family consistent with autosomal dominant inheritance with paternal imprinting (Barel et al. 2008). Additionally, de novo inheritance was noted in two unrelated affected individuals that carried a different nucleotide change resulting in the same amino acid consequence, c.706G>C (p.Gly236Arg). The p.Gly236Arg variant is not reported in the Genome Aggregation Database in a region of good sequence coverage, suggesting that it is a rare variant. Functional studies in mice expressing the mutant showed significantly higher calcium transients as compared to controls (Bando et al. 2014). Based on the collective evidence and application of the ACMG criteria, the p.Gly236Arg variant is classified as pathogenic for KCKN9 imprinting syndrome.

Genomic Diagnostic Laboratory, Division of Genomic Diagnostics, Children's Hospital of Philadelphia
Classification: Pathogenic. Last evaluated: 2015-04-12. Review status: criteria provided, single submitter. Criteria: DGD Variant Analysis Guidelines. Collection method: clinical testing. Allele origin: unknown.

Clinical Genetics Service, Universitary Hospital 12 de Octubre
Classification: Pathogenic for Birk-Barel syndrome. Review status: criteria provided, single submitter. Criteria: ACMG Guidelines, 2015. Collection method: clinical testing. Allele origin: germline. Affected: yes.

GeneReviews
Classification: Pathogenic for Birk-Barel syndrome. Last evaluated: 2016-12-12. Review status: no assertion criteria provided. Collection method: literature only. Allele origin: germline. Not counted in ClinVar's aggregate classification.

OMIM
Classification: Pathogenic for BIRK-BAREL SYNDROME. Last evaluated: 2008-08-01. Review status: no assertion criteria provided. Collection method: literature only. Allele origin: germline. Not counted in ClinVar's aggregate classification.

Literature cited by the submitters: PubMed 18678320 (cited by 5 submitters); PubMed 35698242 (cited by 3billion and OMIM); PubMed 27151206 (cited by 3 submitters); PubMed 23236211 (cited by Illumina Laboratory Services, Illumina).

NM_001282534.2(KCNK9):c.706G>A (p.Gly236Arg)

Gene: KCNK9 (potassium two pore domain channel subfamily K member 9; minus strand). Cytogenetic location: 8q24.3.
Variant type: single nucleotide variant.
Coding change: c.706G>A on transcript NM_001282534.2 (MANE Select); coding-DNA position 706, G replaced by A.
Protein change: p.Gly236Arg; replaces glycine 236 with arginine.
Molecular consequence: missense variant. On other transcripts: non-coding transcript variant (1).
Genome position (GRCh38, 1-based): chr8:139,618,677, C>T on the plus strand (G>A on the coding strand, the complement: KCNK9 is on the minus strand). VCF-style: chr8-139618677-C-T. GRCh37 (hg19) VCF-style: chr8-140630920-C-T.
Other names: short protein forms G236R.
Identifiers: ClinVar variation 4741 (VCV000004741.21), dbSNP rs121908332, ClinGen allele CA213359.